The following is an entry in ClinVar:

NM_002148.4(HOXD10):c.470C>G (p.Thr157Ser)

Gene: HOXD10 (homeobox D10; plus strand). Cytogenetic location: 2q31.1.
Variant type: single nucleotide variant.
Coding change: c.470C>G on transcript NM_002148.4 (MANE Select); coding-DNA position 470, C replaced by G.
Protein change: p.Thr157Ser; replaces threonine 157 with serine.
Molecular consequence: missense variant.
Genome position (GRCh38, 1-based): chr2:176,117,303, C>G. VCF-style: chr2-176117303-C-G. GRCh37 (hg19) VCF-style: chr2-176982031-C-G.
Other names: short protein forms T157S.
Identifiers: ClinVar variation 4685919 (VCV004685919.1).

ClinVar aggregate classification (germline): Uncertain significance (1 of 4 stars; one submission).

gnomAD v4.1: 24 of 1,613,426 alleles (0.0015%); highest among the groups gnomAD compares: Admixed American, 0.028%; no homozygotes.

Submission:

ARUP Laboratories, Molecular Genetics and Genomics, ARUP Laboratories
Classification: Uncertain significance. Last evaluated: 2025-06-27. Review status: criteria provided, single submitter. Criteria: ARUP Molecular Germline Variant Investigation Process 2024. Collection method: clinical testing. Allele origin: germline.
Comment: The HOXD10 c.470C>G; p.Thr157Ser variant (rs187717603), to our knowledge, is not reported in the medical literature or any gene specific databases. This variant is found in the Admixed American population with an allele frequency of 0.037% (13/35424 alleles) in the Genome Aggregation Database (v2.1.1). Computational analyses predict that this variant is neutral (REVEL: 0.064). Due to limited information, the clinical significance of this variant is uncertain at this time.